The following is an entry in ClinVar:

NM_006767.4(LZTR1):c.1665G>A (p.Leu555=)

Gene: LZTR1 (leucine zipper like post translational regulator 1; plus strand). Cytogenetic location: 22q11.21.
Variant type: single nucleotide variant.
Coding change: c.1665G>A on transcript NM_006767.4 (MANE Select); coding-DNA position 1665, G replaced by A.
Protein change: p.Leu555=; no amino-acid change (leucine 555 retained).
Molecular consequence: synonymous variant.
Genome position (GRCh38, 1-based): chr22:20,994,607, G>A. VCF-style: chr22-20994607-G-A. GRCh37 (hg19) VCF-style: chr22-21348896-G-A.
Identifiers: ClinVar variation 792793 (VCV000792793.10), dbSNP rs760948342, ClinGen allele CA10119018.
Genomic context (GRCh38, chr22:20,994,607, plus strand): 5'-CTGGGGCGCAGGCCATGTGGAGGATGTGCTGCTCATCATGGATGTGTACAAACTGGCACT[G>A]AGCTTCCAGTTGTGCCGCCTGGAGCAGCTGTGCCGCCAGTACATCGAGGCCTCCGTGGAC-3'
Protein context (NP_006758.2, residues 545-565): LLIMDVYKLA[Leu555=]SFQLCRLEQL

ClinVar aggregate classification (germline): Conflicting classifications of pathogenicity. Review status: criteria provided, conflicting classifications (1 of 4 stars). 3 submissions from 3 submitters: Uncertain significance (1); Likely benign (2). Last evaluated 2025-12-01.

Conditions:
Noonan syndrome 10 (NS10). Identifiers: Orphanet 648, MedGen C4225280, MONDO:0014693, OMIM 616564.
LZTR1-related schwannomatosis. Also called: Schwannomatosis 2; Schwannomatosis-2, susceptibility to. Identifiers: Orphanet 93921, MedGen C3810283, MONDO:0014299, OMIM 615670.
Noonan syndrome 2 (NS2). Identifiers: Orphanet 648, MedGen C1854469, MONDO:0011531, OMIM 605275.
Cardiovascular phenotype. Identifiers: MedGen CN230736.
Hereditary cancer-predisposing syndrome. Also called: Tumor predisposition; Hereditary neoplastic syndrome; Hereditary Cancer Syndrome; Neoplastic Syndromes, Hereditary. Identifiers: Orphanet 140162, MedGen C0027672, MeSH D009386, MONDO:0015356.

Allele frequency attached by ClinVar (database versions not stated): gnomAD exomes below 0.00001; ExAC 0.00001.
gnomAD v4.1: 3 of 1,612,602 alleles (0.00019%); highest among the groups gnomAD compares: Middle Eastern, 0.016%; no homozygotes.

Submissions (3):

Labcorp Genetics (formerly Invitae), Labcorp
Classification: Likely benign. Last evaluated: 2025-12-01. Review status: criteria provided, single submitter. Criteria: Invitae Variant Classification Sherloc (09022015). Collection method: clinical testing. Allele origin: germline.

Ambry Genetics
Classification: Uncertain significance for Cardiovascular phenotype; Hereditary cancer-predisposing syndrome. Last evaluated: 2025-06-11. Review status: criteria provided, single submitter. Criteria: Ambry Variant Classification Scheme 2023. Collection method: clinical testing. Allele origin: germline.
Comment: The c.1665G>A variant (also known as p.L555L), located in coding exon 15 of the LZTR1 gene, results from a G to A substitution at nucleotide position 1665. This nucleotide substitution does not change the leucine at codon 555. This nucleotide position is not well conserved in available vertebrate species. In silico splice site analysis predicts that this alteration will result in the creation or strengthening of a novel splice acceptor site. Based on the available evidence, the clinical significance of this variant remains unclear.

Department of Pathology and Laboratory Medicine, Sinai Health System
Classification: Likely benign for Noonan syndrome 2; LZTR1-related schwannomatosis; Noonan syndrome 10. Last evaluated: 2022-10-06. Review status: criteria provided, single submitter. Criteria: ACMG Guidelines, 2015. Collection method: clinical testing. Allele origin: germline. Affected: yes.